The following is an entry in ClinVar:

ClinVar aggregate classification (germline): Uncertain significance (0 of 4 stars; one submission).

Conditions:
MC3R-related disorder. Also called: MC3R-related condition.

Submission:

PreventionGenetics, part of Exact Sciences
Classification: Uncertain significance for MC3R-related condition. Last evaluated: 2024-05-23. Review status: no assertion criteria provided. Collection method: clinical testing. Allele origin: germline.
Comment: The MC3R c.392C>T variant is predicted to result in the amino acid substitution p.Ser131Phe. To our knowledge, this variant has not been reported in the literature. This variant is reported in 0.011% of alleles in individuals of African descent in gnomAD. At this time, the clinical significance of this variant is uncertain due to the absence of conclusive functional and genetic evidence.

NM_019888.3(MC3R):c.392C>T (p.Ser131Phe)

Gene: MC3R (melanocortin 3 receptor; plus strand). Cytogenetic location: 20q13.2.
Variant type: single nucleotide variant.
Coding change: c.392C>T on transcript NM_019888.3 (MANE Select); coding-DNA position 392, C replaced by T.
Protein change: p.Ser131Phe; replaces serine 131 with phenylalanine.
Molecular consequence: missense variant.
Genome position (GRCh38, 1-based): chr20:56,249,235, C>T. VCF-style: chr20-56249235-C-T. GRCh37 (hg19) VCF-style: chr20-54824291-C-T.
Other names: short protein forms S131F.
Identifiers: ClinVar variation 3344480 (VCV003344480.1).